The following is an entry in ClinVar:

NM_005045.4(RELN):c.6148A>G (p.Thr2050Ala)

Gene: RELN (reelin; minus strand). Cytogenetic location: 7q22.1.
Variant type: single nucleotide variant.
Coding change: c.6148A>G on transcript NM_005045.4 (MANE Select); coding-DNA position 6148, A replaced by G.
Protein change: p.Thr2050Ala; replaces threonine 2050 with alanine.
Molecular consequence: missense variant.
Genome position (GRCh38, 1-based): chr7:103,551,221, T>C on the plus strand (A>G on the coding strand, the complement: RELN is on the minus strand). VCF-style: chr7-103551221-T-C. GRCh37 (hg19) VCF-style: chr7-103191668-T-C.
Other names: c.6148A>G, p.Thr2050Ala (NM_173054.3); short protein forms T2050A.
Identifiers: ClinVar variation 1392688 (VCV001392688.8), dbSNP rs2117153371, ClinGen allele CA368738408.
Genomic context (GRCh38, chr7:103,551,221, plus strand): 5'-AGCATAAAGAGCTGACGTGGCTGCTGCTGTGGTAGCAGAGGGGCAGCAGAAGGTGCCAGG[T>C]CGCCCCGAAGTCCCTTGAAAATTCCAGTCTCACTGGATCCGCGGATGAGCTATCAGTCGA-3'
Protein context (NP_005036.2, residues 2040-2060): RLEFSRDFGA[Thr2050Ala]WHLLLPLCYH

ClinVar aggregate classification (germline): Uncertain significance (1 of 4 stars; one submission).

Conditions:
Norman-Roberts syndrome (LIS2). Also called: Lissencephaly 2 (Norman-Roberts type). Identifiers: Orphanet 89844, MedGen C0796089, MONDO:0009760, OMIM 257320.
Familial temporal lobe epilepsy 7. Identifiers: Orphanet 101046, MedGen C4225327, MONDO:0014639, OMIM 616436.

Submission:

Labcorp Genetics (formerly Invitae), Labcorp
Classification: Uncertain significance for Familial temporal lobe epilepsy 7; Norman-Roberts syndrome. Last evaluated: 2024-02-17. Review status: criteria provided, single submitter. Criteria: Invitae Variant Classification Sherloc (09022015). Collection method: clinical testing. Allele origin: germline.
Comment: This sequence change replaces threonine, which is neutral and polar, with alanine, which is neutral and non-polar, at codon 2050 of the RELN protein (p.Thr2050Ala). This variant is not present in population databases (gnomAD no frequency). This variant has not been reported in the literature in individuals affected with RELN-related conditions. ClinVar contains an entry for this variant (Variation ID: 1392688). Advanced modeling of protein sequence and biophysical properties (such as structural, functional, and spatial information, amino acid conservation, physicochemical variation, residue mobility, and thermodynamic stability) performed at Invitae indicates that this missense variant is not expected to disrupt RELN protein function with a negative predictive value of 80%. In summary, the available evidence is currently insufficient to determine the role of this variant in disease. Therefore, it has been classified as a Variant of Uncertain Significance.